The following is an entry in ClinVar:

ClinVar aggregate classification (germline): Uncertain significance. Review status: criteria provided, multiple submitters, no conflicts (2 of 4 stars). 2 submissions from 2 submitters: Uncertain significance (2). Last evaluated 2025-06-11.

Allele frequency attached by ClinVar (database versions not stated): ExAC 0.00001.
gnomAD v4.1: 12 of 1,613,734 alleles (0.00074%); highest among the groups gnomAD compares: Middle Eastern, 0.016%; no homozygotes.

Submissions (2):

Ambry Genetics
Classification: Uncertain significance. Last evaluated: 2025-06-11. Review status: criteria provided, single submitter. Criteria: Ambry Variant Classification Scheme 2023. Collection method: clinical testing. Allele origin: germline.

Labcorp Genetics (formerly Invitae), Labcorp
Classification: Uncertain significance. Last evaluated: 2023-10-24. Review status: criteria provided, single submitter. Criteria: Invitae Variant Classification Sherloc (09022015). Collection method: clinical testing. Allele origin: germline.
Comment: This sequence change replaces glutamic acid, which is acidic and polar, with lysine, which is basic and polar, at codon 18 of the RFWD3 protein (p.Glu18Lys). This variant is present in population databases (rs371871237, gnomAD 0.005%). This variant has not been reported in the literature in individuals affected with RFWD3-related conditions. ClinVar contains an entry for this variant (Variation ID: 2114324). An algorithm developed to predict the effect of missense changes on protein structure and function (PolyPhen-2) suggests that this variant is likely to be tolerated. In summary, the available evidence is currently insufficient to determine the role of this variant in disease. Therefore, it has been classified as a Variant of Uncertain Significance.

NM_018124.4(RFWD3):c.52G>A (p.Glu18Lys)

Gene: RFWD3 (ring finger and WD repeat domain 3; minus strand). Cytogenetic location: 16q23.1.
Variant type: single nucleotide variant.
Coding change: c.52G>A on transcript NM_018124.4 (MANE Select); coding-DNA position 52, G replaced by A.
Protein change: p.Glu18Lys; replaces glutamic acid 18 with lysine.
Molecular consequence: missense variant. On other transcripts: 5 prime UTR variant (4), intron variant (1).
Genome position (GRCh38, 1-based): chr16:74,661,398, C>T on the plus strand (G>A on the coding strand, the complement: RFWD3 is on the minus strand). VCF-style: chr16-74661398-C-T. GRCh37 (hg19) VCF-style: chr16-74695296-C-T.
Other names: c.52G>A (NM_018124.3); c.52G>A, p.Glu18Lys (NM_001370534.1, NM_001370535.1, NM_001370536.1); c.-957G>A (NM_001370537.1); c.-580G>A (NM_001370539.1, NM_001370541.1); c.-834G>A (NM_001370542.1); c.-712G>A (NM_001370543.1); c.-317+3226G>A (NM_001370540.1); short protein forms E18K.
Identifiers: ClinVar variation 2114324 (VCV002114324.5), dbSNP rs371871237, ClinGen allele CA8169665.
Genomic context (GRCh38, chr16:74,661,398, plus strand): 5'-GCTGGAGGAGGGCTGGTCCCCCTTGGCTGCTGGCCATGCCAGCAGGAGCTGGCTGTTGTT[C>T]GGCATGATTTAACTGCACCTGAACATCATATTCCATTGCTTCATGAGCCATCACTAGAGA-3'
Protein context (NP_060594.3, residues 8-28): YDVQVQLNHA[Glu18Lys]QQPAPAGMAS